The following is an entry in ClinVar:

NM_000302.4(PLOD1):c.1282T>G (p.Tyr428Asp)

Gene: PLOD1 (procollagen-lysine,2-oxoglutarate 5-dioxygenase 1; plus strand). Cytogenetic location: 1p36.22.
Variant type: single nucleotide variant.
Coding change: c.1282T>G on transcript NM_000302.4 (MANE Select); coding-DNA position 1282, T replaced by G.
Protein change: p.Tyr428Asp; replaces tyrosine 428 with aspartic acid.
Molecular consequence: missense variant.
Genome position (GRCh38, 1-based): chr1:11,964,254, T>G. VCF-style: chr1-11964254-T-G. GRCh37 (hg19) VCF-style: chr1-12024311-T-G.
Other names: c.1423T>G, p.Tyr475Asp (NM_001316320.2); short protein forms Y428D, Y475D.
Identifiers: ClinVar variation 5038101 (VCV005038101.1).

ClinVar aggregate classification (germline): Uncertain significance (1 of 4 stars; one submission).

Conditions:
Ehlers-Danlos syndrome, kyphoscoliotic type 1 (EDSKSCL1). Also called: PLOD1-Related Kyphoscoliotic Ehlers-Danlos Syndrome; EHLERS-DANLOS SYNDROME, TYPE VIA; Ehlers-Danlos syndrome, hydroxylysine-deficient; EHLERS-DANLOS SYNDROME, OCULAR-SCOLIOTIC TYPE. Identifiers: Orphanet 1900, MedGen C0268342, MONDO:0016002, OMIM 225400. Disease mechanism: loss of function.

gnomAD v4.1: 1 of 1,612,674 alleles (0.000062%); highest among the groups gnomAD compares: Non-Finnish European, 0.000085%; no homozygotes.

Submission:

MVZ Medizinische Genetik Mainz
Classification: Uncertain significance for Ehlers-Danlos syndrome, kyphoscoliotic type 1. Last evaluated: 2026-05-18. Review status: criteria provided, single submitter. Criteria: UK Practice Guidelines For Variant Classification V4 01 2020. Collection method: clinical testing. Allele origin: germline. Inheritance: Autosomal recessive inheritance. Affected: yes. Observed: 1 variant allele.
Comment: ACMG Criteria: PP3_MOD,PM2_SUP,PM3_SUP